The following is an entry in ClinVar:

ClinVar aggregate classification (germline): Conflicting classifications of pathogenicity. Review status: criteria provided, conflicting classifications (1 of 4 stars). 2 submissions from 2 submitters: Uncertain significance (1); Likely benign (1). Last evaluated 2026-05-08.

Conditions:
NYNRIN-related disorder. Also called: NYNRIN-related condition.

gnomAD v4.1: 123 of 1,613,830 alleles (0.0076%); highest among the groups gnomAD compares: Admixed American, 0.025%; no homozygotes.

Submissions (2):

PreventionGenetics, part of Exact Sciences
Classification: Likely benign for NYNRIN-related condition. Last evaluated: 2026-05-08. Review status: criteria provided, single submitter. Criteria: ACMG Guidelines, 2015. Collection method: clinical testing. Allele origin: germline.
Comment: This variant is classified as likely benign based on ACMG/AMP sequence variant interpretation guidelines (Richards et al. 2015 PMID: 25741868, with internal and published modifications).

Labcorp Genetics (formerly Invitae), Labcorp
Classification: Uncertain significance. Last evaluated: 2024-12-08. Review status: criteria provided, single submitter. Criteria: Invitae Variant Classification Sherloc (09022015). Collection method: clinical testing. Allele origin: germline.
Comment: This sequence change affects codon 377 of the NYNRIN mRNA. It is a 'silent' change, meaning that it does not change the encoded amino acid sequence of the NYNRIN protein. This variant is present in population databases (rs753107820, gnomAD 0.03%). This variant has not been reported in the literature in individuals affected with NYNRIN-related conditions. Experimental studies and prediction algorithms are not available or were not evaluated, and the functional significance of this variant is currently unknown. In summary, the available evidence is currently insufficient to determine the role of this variant in disease. Therefore, it has been classified as a Variant of Uncertain Significance.

NM_025081.3(NYNRIN):c.1131A>G (p.Leu377=)

Gene: NYNRIN (NYN domain and retroviral integrase containing; plus strand). Cytogenetic location: 14q12.
Variant type: single nucleotide variant.
Coding change: c.1131A>G on transcript NM_025081.3 (MANE Select); coding-DNA position 1131, A replaced by G.
Protein change: p.Leu377=; no amino-acid change (leucine 377 retained).
Molecular consequence: synonymous variant.
Genome position (GRCh38, 1-based): chr14:24,408,925, A>G. VCF-style: chr14-24408925-A-G. GRCh37 (hg19) VCF-style: chr14-24878131-A-G.
Other names: c.1131A>G (NM_025081.2).
Identifiers: ClinVar variation 3673064 (VCV003673064.3).
Genomic context (GRCh38, chr14:24,408,925, plus strand): 5'-GCCATTGTGGCCGGGGGCTATTGCTGCAACCTTCTGGAGGATCAATGAGCTGCATTCTCT[A>G]CATCTGGCCTGGCTCCTGTCCCAGGCGTGCTTCAATTTCCCCTTCTGGCAGAGACCTCTG-3'
Protein context (NP_079357.2, residues 367-387): TFWRINELHS[Leu377=]HLAWLLSQAC